The following is an entry in ClinVar:

NM_000384.3(APOB):c.10755C>A (p.Ser3585Arg)

Gene: APOB (apolipoprotein B; minus strand). Cytogenetic location: 2p24.1.
Variant type: single nucleotide variant.
Coding change: c.10755C>A on transcript NM_000384.3 (MANE Select); coding-DNA position 10755, C replaced by A.
Protein change: p.Ser3585Arg; replaces serine 3585 with arginine.
Molecular consequence: missense variant.
Genome position (GRCh38, 1-based): chr2:21,006,113, G>T on the plus strand (C>A on the coding strand, the complement: APOB is on the minus strand). VCF-style: chr2-21006113-G-T. GRCh37 (hg19) VCF-style: chr2-21228985-G-T.
Other names: short protein forms S3585R.
Identifiers: ClinVar variation 3231358 (VCV003231358.1), dbSNP rs748957122, ClinGen allele CA044660.

ClinVar aggregate classification (germline): Uncertain significance (1 of 4 stars; one submission).

Conditions:
Cardiovascular phenotype. Identifiers: MedGen CN230736.

gnomAD v4.1: 3 of 1,613,972 alleles (0.00019%); highest among the groups gnomAD compares: Non-Finnish European, 0.00025%; no homozygotes.

Submission:

Ambry Genetics
Classification: Uncertain significance for Cardiovascular phenotype. Last evaluated: 2024-01-31. Review status: criteria provided, single submitter. Criteria: Ambry Variant Classification Scheme 2023. Collection method: clinical testing. Allele origin: germline.
Comment: The p.S3585R variant (also known as c.10755C>A), located in coding exon 26 of the APOB gene, results from a C to A substitution at nucleotide position 10755. The serine at codon 3585 is replaced by arginine, an amino acid with dissimilar properties. This amino acid position is conserved. In addition, this alteration is predicted to be tolerated by in silico analysis. Based on the available evidence, the clinical significance of this alteration remains unclear.